The following is an entry in ClinVar:

NM_006231.4(POLE):c.5173+17A>G

Gene: POLE (DNA polymerase epsilon, catalytic subunit; minus strand). Cytogenetic location: 12q24.33.
Variant type: single nucleotide variant.
Coding change: c.5173+17A>G on transcript NM_006231.4 (MANE Select); 17 bases into the intron after coding-DNA position 5173, A replaced by G.
Molecular consequence: intron variant.
Genome position (GRCh38, 1-based): chr12:132,642,160, T>C on the plus strand (A>G on the coding strand, the complement: POLE is on the minus strand). VCF-style: chr12-132642160-T-C. GRCh37 (hg19) VCF-style: chr12-133218746-T-C.
Identifiers: ClinVar variation 371888 (VCV000371888.22), dbSNP rs368209692, ClinGen allele CA6892616.

ClinVar aggregate classification (germline): Likely benign. Review status: criteria provided, multiple submitters, no conflicts (2 of 4 stars). 8 submissions from 8 submitters: Likely benign (5). 3 of the submissions do not count toward it. Last evaluated 2026-01-25.

Conditions:
Colorectal cancer, susceptibility to, 12 (CRCS12). Also called: COLORECTAL CANCER, SUSCEPTIBILITY TO, ON CHROMOSOME 12q24. Identifiers: Orphanet 220460, MedGen C3554460, MONDO:0014038, OMIM 615083.

Allele frequency attached by ClinVar (database versions not stated): 1000 Genomes Project 30x 0.00016; ExAC 0.00021; gnomAD exomes 0.00022 and 0.00037; TOPMed 0.00029; gnomAD 0.00031; ESP Exome Variant Server 0.00038.
gnomAD v4.1: 543 of 1,524,292 alleles (0.036%); highest among the groups gnomAD compares: Non-Finnish European, 0.046%; 1 homozygote.

Submissions (8):

Labcorp Genetics (formerly Invitae), Labcorp
Classification: Likely benign. Last evaluated: 2026-01-25. Review status: criteria provided, single submitter. Criteria: Invitae Variant Classification Sherloc (09022015). Collection method: clinical testing. Allele origin: germline.

Center for Genomic Medicine, Rigshospitalet, Copenhagen University Hospital
Classification: Likely benign. Last evaluated: 2025-03-04. Review status: criteria provided, single submitter. Criteria: ACMG Guidelines, 2015. Collection method: clinical testing. Allele origin: germline.

Blueprint Genetics
Classification: Likely benign. Last evaluated: 2024-11-27. Review status: criteria provided, single submitter. Criteria: ACMG Guidelines, 2015. Collection method: clinical testing. Allele origin: germline.

GeneDx
Classification: Likely benign. Last evaluated: 2017-11-24. Review status: criteria provided, single submitter. Criteria: GeneDx Variant Classification (06012015). Collection method: clinical testing. Allele origin: germline. Affected: yes.
Comment: This variant is considered likely benign or benign based on one or more of the following criteria: it is a conservative change, it occurs at a poorly conserved position in the protein, it is predicted to be benign by multiple in silico algorithms, and/or has population frequency not consistent with disease.

PreventionGenetics, part of Exact Sciences
Classification: Likely benign. Last evaluated: 2017-10-05. Review status: criteria provided, single submitter. Criteria: ACMG Guidelines, 2015. Collection method: clinical testing. Allele origin: germline.

Counsyl
Classification: Likely benign for Colorectal cancer, susceptibility to, 12. Last evaluated: 2016-07-18. Review status: no assertion criteria provided. Collection method: clinical testing. Allele origin: unknown. Not counted in ClinVar's aggregate classification.

Genome Diagnostics Laboratory, Amsterdam University Medical Center
Classification: Likely benign. Review status: no assertion criteria provided. Collection method: clinical testing. Allele origin: germline. Affected: yes. Study: VKGL Data-share Consensus. Not counted in ClinVar's aggregate classification.

Genome Diagnostics Laboratory, University Medical Center Utrecht
Classification: Likely benign. Review status: no assertion criteria provided. Collection method: clinical testing. Allele origin: germline. Affected: yes. Study: VKGL Data-share Consensus. Not counted in ClinVar's aggregate classification.